The following is an entry in ClinVar:

ClinVar aggregate classification (germline): Uncertain significance. Review status: criteria provided, multiple submitters, no conflicts (2 of 4 stars). 2 submissions from 2 submitters: Uncertain significance (2). Last evaluated 2025-08-11.

Conditions:
Inborn genetic diseases. Identifiers: MedGen C0950123, MeSH D030342.
Leber congenital amaurosis 4 (LCA4). Identifiers: MedGen C1858386, MONDO:0011458, OMIM 604393.

gnomAD v4.1: 1 of 1,612,122 alleles (0.000062%); highest among the groups gnomAD compares: Admixed American, 0.0017%; no homozygotes.

Submissions (2):

Ambry Genetics
Classification: Uncertain significance for Inborn genetic diseases. Last evaluated: 2025-08-11. Review status: criteria provided, single submitter. Criteria: Ambry Variant Classification Scheme 2023. Collection method: clinical testing. Allele origin: germline.

Labcorp Genetics (formerly Invitae), Labcorp
Classification: Uncertain significance for Leber congenital amaurosis 4. Last evaluated: 2021-08-27. Review status: criteria provided, single submitter. Criteria: Invitae Variant Classification Sherloc (09022015). Collection method: clinical testing. Allele origin: germline.
Comment: This sequence change replaces histidine with glutamine at codon 82 of the AIPL1 protein (p.His82Gln). The histidine residue is weakly conserved and there is a small physicochemical difference between histidine and glutamine. This variant is not present in population databases (ExAC no frequency). This variant has not been reported in the literature in individuals affected with AIPL1-related conditions. Algorithms developed to predict the effect of missense changes on protein structure and function (SIFT, PolyPhen-2, Align-GVGD) all suggest that this variant is likely to be tolerated. Algorithms developed to predict the effect of sequence changes on RNA splicing suggest that this variant may create or strengthen a splice site. In summary, the available evidence is currently insufficient to determine the role of this variant in disease. Therefore, it has been classified as a Variant of Uncertain Significance.

NM_014336.5(AIPL1):c.246C>G (p.His82Gln)

Gene: AIPL1 (AIP like 1 HSP90 co-chaperone; minus strand). Cytogenetic location: 17p13.2.
Variant type: single nucleotide variant.
Coding change: c.246C>G on transcript NM_014336.5 (MANE Select); coding-DNA position 246, C replaced by G.
Protein change: p.His82Gln; replaces histidine 82 with glutamine.
Molecular consequence: missense variant. On other transcripts: intron variant (1).
Genome position (GRCh38, 1-based): chr17:6,433,949, G>C on the plus strand (C>G on the coding strand, the complement: AIPL1 is on the minus strand). VCF-style: chr17-6433949-G-C. GRCh37 (hg19) VCF-style: chr17-6337269-G-C.
Other names: c.246C>G, p.His82Gln (NM_001033054.3, NM_001285401.3, NM_001285403.4); c.210C>G, p.His70Gln (NM_001285399.3); c.180C>G, p.His60Gln (NM_001285400.3); c.129C>G, p.His43Gln (NM_001285402.2); c.96+1060C>G (NM_001033055.3); c.246C>G (NM_014336.3); short protein forms H82Q, H70Q, H43Q, H60Q.
Identifiers: ClinVar variation 1045372 (VCV001045372.7), dbSNP rs758868216, ClinGen allele CA397397158.